The following is an entry in ClinVar:

ClinVar aggregate classification (germline): Likely benign. Review status: criteria provided, multiple submitters, no conflicts (2 of 4 stars). 3 submissions from 3 submitters: Likely benign (2). 1 of the submissions does not count toward it. Last evaluated 2026-08-01.

Conditions:
TEX15-related disorder. Also called: TEX15-related condition.

Allele frequency attached by ClinVar (database versions not stated): 1000 Genomes Project 30x 0.00031; TOPMed 0.00078; gnomAD 0.00086; ExAC 0.00087; gnomAD exomes 0.00105.

Submissions (3):

CeGaT Center for Human Genetics Tuebingen
Classification: Likely benign. Last evaluated: 2026-08-01. Review status: criteria provided, single submitter. Criteria: CeGaT Center For Human Genetics Tuebingen Variant Classification Criteria Version 2. Collection method: clinical testing. Allele origin: germline. Affected: yes. Observed: 2 variant alleles.
Comment: TEX15: BP4, BP7

Blueprint Genetics
Classification: Likely benign. Last evaluated: 2024-09-13. Review status: criteria provided, single submitter. Criteria: ACMG Guidelines, 2015. Collection method: clinical testing. Allele origin: germline.

PreventionGenetics, part of Exact Sciences
Classification: Likely benign for TEX15-related condition. Last evaluated: 2022-02-23. Review status: no assertion criteria provided. Collection method: clinical testing. Allele origin: germline. Not counted in ClinVar's aggregate classification.
Comment: This variant is classified as likely benign based on ACMG/AMP sequence variant interpretation guidelines (Richards et al. 2015 PMID: 25741868, with internal and published modifications).

NM_001350162.2(TEX15):c.993G>A (p.Glu331=)

Gene: TEX15 (testis expressed 15, meiosis and synapsis associated; minus strand). Cytogenetic location: 8p12.
Variant type: single nucleotide variant.
Coding change: c.993G>A on transcript NM_001350162.2 (MANE Select); coding-DNA position 993, G replaced by A.
Protein change: p.Glu331=; no amino-acid change (glutamic acid 331 retained).
Molecular consequence: synonymous variant. On other transcripts: non-coding transcript variant (1).
Genome position (GRCh38, 1-based): chr8:30,849,174, C>T on the plus strand (G>A on the coding strand, the complement: TEX15 is on the minus strand). VCF-style: chr8-30849174-C-T. GRCh37 (hg19) VCF-style: chr8-30706690-C-T.
Other names: c.993G>A (NM_001350162.1).
Identifiers: ClinVar variation 2658524 (VCV002658524.26), dbSNP rs565850499, ClinGen allele CA4703700.